The following is an entry in ClinVar:

NM_004999.4(MYO6):c.2926G>T (p.Asp976Tyr)

Gene: MYO6 (myosin VI; plus strand). Cytogenetic location: 6q14.1.
Variant type: single nucleotide variant.
Coding change: c.2926G>T on transcript NM_004999.4 (MANE Select); coding-DNA position 2926, G replaced by T.
Protein change: p.Asp976Tyr; replaces aspartic acid 976 with tyrosine.
Molecular consequence: missense variant. On other transcripts: non-coding transcript variant (1).
Genome position (GRCh38, 1-based): chr6:75,891,286, G>T. VCF-style: chr6-75891286-G-T. GRCh37 (hg19) VCF-style: chr6-76601003-G-T.
Other names: c.2926G>T, p.Asp976Tyr (NM_001300899.2, NM_001368136.1, NM_001368137.1 and 2 more transcripts); c.2911G>T, p.Asp971Tyr (NM_001368138.1); short protein forms D976Y, D971Y.
Identifiers: ClinVar variation 517605 (VCV000517605.6), dbSNP rs201168408, ClinGen allele CA141087441.

ClinVar aggregate classification (germline): Uncertain significance. Review status: criteria provided, multiple submitters, no conflicts (2 of 4 stars). 2 submissions from 2 submitters: Uncertain significance (2). Last evaluated 2025-04-29.

Allele frequency attached by ClinVar (database versions not stated): gnomAD exomes 0.00001 and 0.00002; gnomAD 0.00002; TOPMed 0.00002.
gnomAD v4.1: 38 of 1,608,594 alleles (0.0024%); highest among the groups gnomAD compares: Non-Finnish European, 0.0031%; no homozygotes.

Submissions (2):

Labcorp Genetics (formerly Invitae), Labcorp
Classification: Uncertain significance. Last evaluated: 2025-04-29. Review status: criteria provided, single submitter. Criteria: Invitae Variant Classification Sherloc (09022015). Collection method: clinical testing. Allele origin: germline.
Comment: This sequence change replaces aspartic acid, which is acidic and polar, with tyrosine, which is neutral and polar, at codon 976 of the MYO6 protein (p.Asp976Tyr). This variant is present in population databases (rs201168408, gnomAD 0.002%). This variant has not been reported in the literature in individuals affected with MYO6-related conditions. ClinVar contains an entry for this variant (Variation ID: 517605). Invitae Evidence Modeling of protein sequence and biophysical properties (such as structural, functional, and spatial information, amino acid conservation, physicochemical variation, residue mobility, and thermodynamic stability) indicates that this missense variant is not expected to disrupt MYO6 protein function with a negative predictive value of 80%. In summary, the available evidence is currently insufficient to determine the role of this variant in disease. Therefore, it has been classified as a Variant of Uncertain Significance.

Laboratory for Molecular Medicine, Mass General Brigham Personalized Medicine
Classification: Uncertain significance. Last evaluated: 2017-09-22. Review status: criteria provided, single submitter. Criteria: LMM Criteria. Collection method: clinical testing. Allele origin: germline. Observed: 1 variant allele.
Comment: The p.Asp976Tyr variant in MYO6 has not been previously reported in individuals with hearing loss but has been identified in 2/109742 European chromosomes by th e Genome Aggregation Database (gnomAD; dbSNP r s201168408). Computational prediction tools and conservation analysis do not pro vide strong support for or against an impact to the protein. In summary, the cli nical significance of the p.Asp976Tyr variant is uncertain.